The following is an entry in ClinVar:

NC_000007.13:g.(?_147183017)_(147183143_?)dup

Gene: CNTNAP2 (contactin associated protein 2; plus strand). Cytogenetic location: 7q35.
Variant type: Duplication.
Identifiers: ClinVar variation 3245762 (VCV003245762.1).

ClinVar aggregate classification (germline): Likely pathogenic (1 of 4 stars; one submission).

Conditions:
Cortical dysplasia-focal epilepsy syndrome (PTHSL1). Also called: Pitt-Hopkins-like syndrome 1. Identifiers: Orphanet 163681, Orphanet 221150, MedGen C2750246, MONDO:0012400, OMIM 610042.

Submission:

Labcorp Genetics (formerly Invitae), Labcorp
Classification: Likely pathogenic for Cortical dysplasia-focal epilepsy syndrome. Last evaluated: 2021-01-12. Review status: criteria provided, single submitter. Criteria: Invitae Variant Classification Sherloc (09022015). Collection method: clinical testing. Allele origin: unknown.
Comment: In summary, the currently available evidence indicates that the variant is pathogenic, but additional data are needed to prove that conclusively. Therefore, this variant has been classified as Likely Pathogenic. This variant has not been reported in the literature in individuals with CNTNAP2-related conditions. This variant results in a copy number gain of the genomic region encompassing exon(s) 11 of the CNTNAP2 gene. While the exact position of this variant cannot be determined from the data, sub-genic copy number gains are generally in tandem (PMID: 25640679). This variant is predicted to be out-of-frame, and may result in an absent or disrupted protein product. Loss-of-function variants in CNTNAP2 are known to be pathogenic (PMID: 19896112, 21827697, 25045150, 26843181, 27439707).

Literature cited by the submitters: PubMed 25640679; PubMed 19896112; PubMed 21827697; PubMed 25045150; PubMed 26843181; PubMed 27439707.